The following is an entry in ClinVar:

ClinVar aggregate classification (germline): Benign/Likely benign. Review status: criteria provided, multiple submitters, no conflicts (2 of 4 stars). 5 submissions from 5 submitters: Benign (4); Likely benign (1). Last evaluated 2026-02-03.

Conditions:
Familial hemophagocytic lymphohistiocytosis 3 (FHL3). Also called: UNC13D-Related Familial Hemophagocytic Lymphohistiocytosis (UNC13D-fHLH). Identifiers: Orphanet 540, MedGen C1837174, MONDO:0012146, OMIM 608898.

Allele frequency attached by ClinVar (database versions not stated): gnomAD 0.01637 and 0.01666; 1000 Genomes Project 30x 0.01827; ESP Exome Variant Server 0.01861; TOPMed 0.01864; 1000 Genomes Project 0.01897.
gnomAD v4.1: 29,283 of 1,613,498 alleles (1.8%); highest among the groups gnomAD compares: Middle Eastern, 13%; 507 homozygotes.

Submissions (5):

Labcorp Genetics (formerly Invitae), Labcorp
Classification: Benign for Familial hemophagocytic lymphohistiocytosis 3. Last evaluated: 2026-02-03. Review status: criteria provided, single submitter. Criteria: Invitae Variant Classification Sherloc (09022015). Collection method: clinical testing. Allele origin: germline.

Blueprint Genetics
Classification: Likely benign. Last evaluated: 2024-11-26. Review status: criteria provided, single submitter. Criteria: ACMG Guidelines, 2015. Collection method: clinical testing. Allele origin: germline.

Illumina Laboratory Services, Illumina
Classification: Benign for Familial hemophagocytic lymphohistiocytosis 3. Last evaluated: 2018-01-13. Review status: criteria provided, single submitter. Criteria: ICSL Variant Classification Criteria 13 December 2019. Collection method: clinical testing. Allele origin: germline.
Comment: This variant was observed in the ICSL laboratory as part of a predisposition screen in an ostensibly healthy population. It had not been previously curated by ICSL or reported in the Human Gene Mutation Database (HGMD: prior to June 1st, 2018), and was therefore a candidate for classification through an automated scoring system. Utilizing variant allele frequency, disease prevalence and penetrance estimates, and inheritance mode, an automated score was calculated to assess if this variant is too frequent to cause the disease. Based on the score and internal cut-off values, a variant classified as benign is not then subjected to further curation. The score for this variant resulted in a classification of benign for this disease.

Breakthrough Genomics
Classification: Benign. Review status: criteria provided, single submitter. Criteria: ACMG Guidelines, 2015. Collection method: not provided. Allele origin: germline. Inheritance: Autosomal recessive inheritance. Affected: yes.

PreventionGenetics, part of Exact Sciences
Classification: Benign. Review status: criteria provided, single submitter. Criteria: ACMG Guidelines, 2015. Collection method: clinical testing. Allele origin: germline.

NM_199242.3(UNC13D):c.951+13T>G

Gene: UNC13D (unc-13 homolog D; minus strand). Cytogenetic location: 17q25.1.
Variant type: single nucleotide variant.
Coding change: c.951+13T>G on transcript NM_199242.3 (MANE Select); 13 bases into the intron after coding-DNA position 951, T replaced by G.
Molecular consequence: intron variant.
Genome position (GRCh38, 1-based): chr17:75,840,005, A>C on the plus strand (T>G on the coding strand, the complement: UNC13D is on the minus strand). VCF-style: chr17-75840005-A-C. GRCh37 (hg19) VCF-style: chr17-73836086-A-C.
Identifiers: ClinVar variation 263248 (VCV000263248.16), dbSNP rs140758914, ClinGen allele CA8773201.